The following is an entry in ClinVar:

ClinVar aggregate classification (germline): Pathogenic. Review status: criteria provided, multiple submitters, no conflicts (2 of 4 stars). 3 submissions from 3 submitters: Pathogenic (3). Last evaluated 2024-05-14.

Conditions:
Kartagener syndrome (CILD1). Also called: POLYNESIAN BRONCHIECTASIS; Dextrocardia bronchiectasis and sinusitis; IMMOTILE CILIA SYNDROME; CILIARY DYSKINESIA, PRIMARY, 1; CILIARY DYSKINESIA, PRIMARY, 1, WITH OR WITHOUT SITUS INVERSUS; SIEWERT SYNDROME. Identifiers: Orphanet 244, MedGen C4551906, MONDO:0009484, OMIM 244400.
Primary ciliary dyskinesia. Also called: Ciliary dyskinesia. Identifiers: Orphanet 244, MedGen C0008780, MONDO:0016575, HP:0012265.

Submissions (3):

Myriad Genetics, Inc.
Classification: Pathogenic for Kartagener syndrome. Last evaluated: 2024-05-14. Review status: criteria provided, single submitter. Criteria: Myriad Autosomal Dominant, Autosomal Recessive and X-Linked Classification Criteria (2023). Collection method: clinical testing. Allele origin: unknown.
Comment: NM_012144.2(DNAI1):c.1188delC(Y397Tfs*5) is expected to be pathogenic in the context of primary ciliary dyskinesia, DNAI1-related. This variant is predicted to lead to an abnormal or absent protein product due to the creation of a premature termination codon in DNAI1, a gene where loss-of-function variants are known to be pathogenic. Please note: this variant was assessed in the context of healthy population screening.

Labcorp Genetics (formerly Invitae), Labcorp
Classification: Pathogenic for Primary ciliary dyskinesia. Last evaluated: 2023-05-27. Review status: criteria provided, single submitter. Criteria: Invitae Variant Classification Sherloc (09022015). Collection method: clinical testing. Allele origin: germline.
Comment: This sequence change creates a premature translational stop signal (p.Tyr397Thrfs*5) in the DNAI1 gene. It is expected to result in an absent or disrupted protein product. Loss-of-function variants in DNAI1 are known to be pathogenic (PMID: 16858015, 29363216). This variant is not present in population databases (gnomAD no frequency). This premature translational stop signal has been observed in individual(s) with primary ciliary dyskinesia (PMID: 24498942). ClinVar contains an entry for this variant (Variation ID: 411844). For these reasons, this variant has been classified as Pathogenic.

Revvity Omics, Revvity
Classification: Pathogenic for Kartagener syndrome. Last evaluated: 2021-07-07. Review status: criteria provided, single submitter. Criteria: ACMG Guidelines, 2015. Collection method: clinical testing. Allele origin: germline.

Literature cited by the submitters: PubMed 16858015 (cited by Labcorp Genetics (formerly Invitae), Labcorp); PubMed 29363216 (cited by Labcorp Genetics (formerly Invitae), Labcorp); PubMed 24498942 (cited by Labcorp Genetics (formerly Invitae), Labcorp).

NM_012144.4(DNAI1):c.1188del (p.Tyr397fs)

Gene: DNAI1 (dynein axonemal intermediate chain 1; plus strand). Cytogenetic location: 9p13.3.
Variant type: Deletion.
Coding change: c.1188del on transcript NM_012144.4 (MANE Select); coding-DNA position 1188, one base deleted (C; older notation c.1188delC).
Protein change: p.Tyr397fs; shifts the reading frame from tyrosine 397.
Molecular consequence: frameshift variant.
Genome position (GRCh38, 1-based): chr9:34,506,751, C deleted; the last of 4 consecutive C bases (chr9:34,506,748-34,506,751); deleting any one gives the same sequence. VCF-style (leftmost placement, unchanged base first): chr9-34506747-AC-A. GRCh37 (hg19) VCF-style: chr9-34506745-AC-A.
Other names: c.1200del, p.Tyr401fs (NM_001281428.2); short protein forms Y397fs, Y401fs.
Identifiers: ClinVar variation 411844 (VCV000411844.14), dbSNP rs1060503515, ClinGen allele CA16612880.
Genomic context (GRCh38, chr9:34,506,747, plus strand): 5'-TCCCTGAGTACATGTTCAGCAGCAACAGCGGCGTCATGTGTCTCGACATCCACGTGGACC[AC>A]CCCTACCTGGTGGCAGTAGGCCACTATGACGGCAACGTGGCCATTTACAACCTCAAGAAG-3'